The following is an entry in ClinVar:

NM_000260.4(MYO7A):c.3871A>C (p.Ile1291Leu)

Gene: MYO7A (myosin VIIA; plus strand). Cytogenetic location: 11q13.5.
Variant type: single nucleotide variant.
Coding change: c.3871A>C on transcript NM_000260.4 (MANE Select); coding-DNA position 3871, A replaced by C.
Protein change: p.Ile1291Leu; replaces isoleucine 1291 with leucine.
Molecular consequence: missense variant.
Genome position (GRCh38, 1-based): chr11:77,190,817, A>C. VCF-style: chr11-77190817-A-C. GRCh37 (hg19) VCF-style: chr11-76901862-A-C.
Other names: c.3871A>C, p.Ile1291Leu (NM_001127180.2); c.3838A>C, p.Ile1280Leu (NM_001369365.1); short protein forms I1280L, I1291L.
Identifiers: ClinVar variation 4527825 (VCV004527825.1).

ClinVar aggregate classification (germline): Uncertain significance (1 of 4 stars; one submission).

Submission:

GeneDx
Classification: Uncertain significance. Last evaluated: 2025-05-02. Review status: criteria provided, single submitter. Criteria: GeneDx Variant Classification Process June 2021. Collection method: clinical testing. Allele origin: germline. Affected: yes.
Comment: Not observed at significant frequency in large population cohorts (gnomAD); In silico analysis suggests that this missense variant does not alter protein structure/function; Has not been previously published as pathogenic or benign to our knowledge